The following is an entry in ClinVar:

NM_001283009.2(RTEL1):c.2546G>A (p.Gly849Asp)

Genes: RTEL1-TNFRSF6B (RTEL1-TNFRSF6B readthrough (NMD candidate); plus strand), RTEL1 (regulator of telomere elongation helicase 1; plus strand). Cytogenetic location: 20q13.33.
Variant type: single nucleotide variant.
Coding change: c.2546G>A on transcript NM_001283009.2 (MANE Select); coding-DNA position 2546, G replaced by A.
Protein change: p.Gly849Asp; replaces glycine 849 with aspartic acid.
Molecular consequence: missense variant. On other transcripts: non-coding transcript variant (1).
Genome position (GRCh38, 1-based): chr20:63,690,937, G>A. VCF-style: chr20-63690937-G-A. GRCh37 (hg19) VCF-style: chr20-62322290-G-A.
Other names: p.Gly873Asp; c.1877G>A, p.Gly626Asp (NM_001283010.1); c.2546G>A, p.Gly849Asp (NM_016434.4); c.2618G>A, p.Gly873Asp (NM_032957.5); short protein forms G873D, G849D, G626D.
Identifiers: ClinVar variation 212073 (VCV000212073.25), dbSNP rs190887884, ClinGen allele CA207381.

ClinVar aggregate classification (germline): Benign/Likely benign. Review status: criteria provided, multiple submitters, no conflicts (2 of 4 stars). 8 submissions from 8 submitters: Benign (4); Likely benign (3). 1 of the submissions does not count toward it. Last evaluated 2026-02-03.

Conditions:
Dyskeratosis congenita, autosomal recessive 5 (DKCB5). Identifiers: MedGen C3554656, MONDO:0014076, OMIM 615190.
Pulmonary fibrosis and/or bone marrow failure, Telomere-related, 3. Also called: PULMONARY FIBROSIS AND/OR BONE MARROW FAILURE SYNDROME, TELOMERE-RELATED, 3. Identifiers: Orphanet 2032, MedGen C4225346, MONDO:0014613, OMIM 616373.
Dyskeratosis congenita. Identifiers: Orphanet 1775, MedGen C0265965, MONDO:0015780.

Allele frequency attached by ClinVar (database versions not stated): 1000 Genomes Project 30x 0.00422; 1000 Genomes Project 0.00459; ESP Exome Variant Server 0.00978; TOPMed 0.00985; gnomAD 0.00993 and 0.01112; gnomAD exomes 0.01016 and 0.01450; ExAC 0.01302.
gnomAD v4.1: 21,656 of 1,550,632 alleles (1.4%); highest among the groups gnomAD compares: Non-Finnish European, 1.6%; 210 homozygotes.

Submissions (8):

Labcorp Genetics (formerly Invitae), Labcorp
Classification: Benign for Dyskeratosis congenita, autosomal recessive 5; Pulmonary fibrosis and/or bone marrow failure, Telomere-related, 3. Last evaluated: 2026-02-03. Review status: criteria provided, single submitter. Criteria: Invitae Variant Classification Sherloc (09022015). Collection method: clinical testing. Allele origin: germline.

ARUP Laboratories, Molecular Genetics and Genomics, ARUP Laboratories
Classification: Benign. Last evaluated: 2025-07-14. Review status: criteria provided, single submitter. Criteria: ARUP Molecular Germline Variant Investigation Process 2024. Collection method: clinical testing. Allele origin: germline.

Blueprint Genetics
Classification: Likely benign. Last evaluated: 2024-11-27. Review status: criteria provided, single submitter. Criteria: ACMG Guidelines, 2015. Collection method: clinical testing. Allele origin: germline.

Mayo Clinic Laboratories, Mayo Clinic
Classification: Benign. Last evaluated: 2024-01-08. Review status: criteria provided, single submitter. Criteria: ACMG Guidelines, 2015. Collection method: clinical testing. Allele origin: germline. Observed: 21 variant alleles.
Comment: BS1, BS2, BP4

Genetic Services Laboratory, University of Chicago
Classification: Benign. Last evaluated: 2021-01-27. Review status: criteria provided, single submitter. Criteria: ACMG Guidelines, 2015. Collection method: clinical testing. Allele origin: germline. Affected: no.

GeneDx
Classification: Likely benign. Last evaluated: 2020-09-18. Review status: criteria provided, single submitter. Criteria: GeneDx Variant Classification Process June 2021. Collection method: clinical testing. Allele origin: germline. Affected: yes.

Breakthrough Genomics
Classification: Likely benign. Review status: criteria provided, single submitter. Criteria: ACMG Guidelines, 2015. Collection method: not provided. Allele origin: germline. Inheritance: Autosomal recessive inheritance. Affected: yes.

Natera, Inc.
Classification: Benign for Dyskeratosis congenita. Last evaluated: 2020-09-16. Review status: no assertion criteria provided. Collection method: clinical testing. Allele origin: germline. Not counted in ClinVar's aggregate classification.

Literature cited by the submitters: PubMed 26615915 (cited by Mayo Clinic Laboratories, Mayo Clinic).